The following is an entry in ClinVar:

ClinVar aggregate classification (germline): Uncertain significance (1 of 4 stars; one submission).

Conditions:
Immunodeficiency 132A. Also called: Herpes simplex encephalitis, susceptibility to, 3. Identifiers: Orphanet 1930, MedGen C3553868, MONDO:0013920, OMIM 614849.

Submission:

Labcorp Genetics (formerly Invitae), Labcorp
Classification: Uncertain significance for Immunodeficiency 132A. Last evaluated: 2023-06-16. Review status: criteria provided, single submitter. Criteria: Invitae Variant Classification Sherloc (09022015). Collection method: clinical testing. Allele origin: germline.
Comment: In summary, the available evidence is currently insufficient to determine the role of this variant in disease. Therefore, it has been classified as a Variant of Uncertain Significance. This sequence change replaces valine, which is neutral and non-polar, with glutamic acid, which is acidic and polar, at codon 367 of the TRAF3 protein (p.Val367Glu). This variant is not present in population databases (gnomAD no frequency). This variant has not been reported in the literature in individuals affected with TRAF3-related conditions. An algorithm developed to predict the effect of missense changes on protein structure and function (PolyPhen-2) suggests that this variant is likely to be tolerated.

NM_145725.3(TRAF3):c.1100T>A (p.Val367Glu)

Gene: TRAF3 (TNF receptor associated factor 3; plus strand). Cytogenetic location: 14q32.32.
Variant type: single nucleotide variant.
Coding change: c.1100T>A on transcript NM_145725.3 (MANE Select); coding-DNA position 1100, T replaced by A.
Protein change: p.Val367Glu; replaces valine 367 with glutamic acid.
Molecular consequence: missense variant.
Genome position (GRCh38, 1-based): chr14:102,903,394, T>A. VCF-style: chr14-102903394-T-A. GRCh37 (hg19) VCF-style: chr14-103369731-T-A.
Other names: c.851T>A, p.Val284Glu (NM_001199427.2); c.959T>A, p.Val320Glu (NM_001385142.1); c.1019T>A, p.Val340Glu (NM_001385143.1); c.1100T>A, p.Val367Glu (NM_003300.4); c.1025T>A, p.Val342Glu (NM_145726.3); short protein forms V284E, V342E, V320E, V340E, V367E.
Identifiers: ClinVar variation 2880102 (VCV002880102.3), dbSNP rs2542620790, ClinGen allele CA391074848.